The following is an entry in ClinVar:

NM_003611.3(OFD1):c.1129+8T>A

Gene: OFD1 (OFD1 centriole and centriolar satellite protein; plus strand). Cytogenetic location: Xp22.2.
Variant type: single nucleotide variant.
Coding change: c.1129+8T>A on transcript NM_003611.3 (MANE Select); 8 bases into the intron after coding-DNA position 1129, T replaced by A.
Molecular consequence: intron variant.
Genome position (GRCh38, 1-based): chrX:13,753,449, T>A. VCF-style: chrX-13753449-T-A. GRCh37 (hg19) VCF-style: chrX-13771568-T-A.
Other names: c.709+8T>A (NM_001330210.2); c.1009+8T>A (NM_001330209.2).
Identifiers: ClinVar variation 682192 (VCV000682192.12), dbSNP rs199572133, ClinGen allele CA10351753.

ClinVar aggregate classification (germline): Benign/Likely benign. Review status: criteria provided, multiple submitters, no conflicts (2 of 4 stars). 3 submissions from 3 submitters: Benign (1); Likely benign (2). Last evaluated 2025-10-24.

Conditions:
Joubert syndrome. Also called: Familial aplasia of the vermis; JOUBERT-BOLTSHAUSER SYNDROME. Identifiers: Orphanet 475, MedGen C5979921, MONDO:0018772.
Orofaciodigital syndrome I (OFD1). Also called: Oral-Facial-Digital Syndrome Type I; Papillon-Leage and Psaume Syndrome; OFDS I. Identifiers: Orphanet 2750, MedGen C1510460, MONDO:0010702, OMIM 311200.

Allele frequency attached by ClinVar (database versions not stated): gnomAD exomes 0.00003 and 0.00008; ExAC 0.00008; ESP Exome Variant Server 0.00019; gnomAD 0.00022 and 0.00023; TOPMed 0.00035; 1000 Genomes Project 30x 0.00042; 1000 Genomes Project 0.00053.
gnomAD v4.1: 62 of 1,206,479 alleles (0.0051%); highest among the groups gnomAD compares: African/African-American, 0.082%; no homozygotes.

Submissions (3):

Labcorp Genetics (formerly Invitae), Labcorp
Classification: Benign for Orofaciodigital syndrome I; Joubert syndrome. Last evaluated: 2025-10-24. Review status: criteria provided, single submitter. Criteria: Invitae Variant Classification Sherloc (09022015). Collection method: clinical testing. Allele origin: germline.

Blueprint Genetics
Classification: Likely benign. Last evaluated: 2023-07-07. Review status: criteria provided, single submitter. Criteria: ACMG Guidelines, 2015. Collection method: clinical testing. Allele origin: germline.

GeneDx
Classification: Likely benign. Last evaluated: 2018-04-18. Review status: criteria provided, single submitter. Criteria: GeneDx Variant Classification (06012015). Collection method: clinical testing. Allele origin: germline. Affected: yes.
Comment: This variant is considered likely benign or benign based on one or more of the following criteria: it is a conservative change, it occurs at a poorly conserved position in the protein, it is predicted to be benign by multiple in silico algorithms, and/or has population frequency not consistent with disease.